The following is an entry in ClinVar:

NM_005236.3(ERCC4):c.2641C>G (p.Gln881Glu)

Gene: ERCC4 (ERCC excision repair 4, endonuclease catalytic subunit; plus strand). Cytogenetic location: 16p13.12.
Variant type: single nucleotide variant.
Coding change: c.2641C>G on transcript NM_005236.3 (MANE Select); coding-DNA position 2641, C replaced by G.
Protein change: p.Gln881Glu; replaces glutamine 881 with glutamic acid.
Molecular consequence: missense variant.
Genome position (GRCh38, 1-based): chr16:13,948,237, C>G. VCF-style: chr16-13948237-C-G. GRCh37 (hg19) VCF-style: chr16-14042094-C-G.
Other names: short protein forms Q881E.
Identifiers: ClinVar variation 2177034 (VCV002177034.3), dbSNP rs754131812, ClinGen allele CA7910785.

ClinVar aggregate classification (germline): Uncertain significance (1 of 4 stars; one submission).

Conditions:
Xeroderma pigmentosum, group F (XPF). Also called: XERODERMA PIGMENTOSUM VI; XP, GROUP F; XERODERMA PIGMENTOSUM, COMPLEMENTATION GROUP F; ERCC4-Related Xeroderma Pigmentosum; XERODERMA PIGMENTOSUM, TYPE F; Xeroderma pigmentosum, type 6. Identifiers: MedGen C0268140, MONDO:0010215, OMIM 278760.
Cockayne syndrome. Identifiers: Orphanet 191, MedGen C0009207, MONDO:0016006.
Fanconi anemia complementation group Q. Identifiers: Orphanet 84, MedGen C3808988, MONDO:0014108, OMIM 615272.

Allele frequency attached by ClinVar (database versions not stated): TOPMed 0.00001; ExAC 0.00002; gnomAD 0.00002.
gnomAD v4.1: 15 of 1,614,064 alleles (0.00093%); highest among the groups gnomAD compares: Non-Finnish European, 0.0013%; no homozygotes.

Submission:

Labcorp Genetics (formerly Invitae), Labcorp
Classification: Uncertain significance for Fanconi anemia complementation group Q; Xeroderma pigmentosum, group F; Cockayne syndrome. Last evaluated: 2024-07-10. Review status: criteria provided, single submitter. Criteria: Invitae Variant Classification Sherloc (09022015). Collection method: clinical testing. Allele origin: germline.
Comment: This sequence change replaces glutamine, which is neutral and polar, with glutamic acid, which is acidic and polar, at codon 881 of the ERCC4 protein (p.Gln881Glu). This variant is present in population databases (rs754131812, gnomAD 0.004%). This variant has not been reported in the literature in individuals affected with ERCC4-related conditions. ClinVar contains an entry for this variant (Variation ID: 2177034). Advanced modeling of protein sequence and biophysical properties (such as structural, functional, and spatial information, amino acid conservation, physicochemical variation, residue mobility, and thermodynamic stability) performed at Invitae indicates that this missense variant is not expected to disrupt ERCC4 protein function with a negative predictive value of 80%. In summary, the available evidence is currently insufficient to determine the role of this variant in disease. Therefore, it has been classified as a Variant of Uncertain Significance.